The following is an entry in ClinVar:

NM_001244008.2(KIF1A):c.4889G>A (p.Arg1630Gln)

Gene: KIF1A (kinesin family member 1A; minus strand). Cytogenetic location: 2q37.3.
Variant type: single nucleotide variant.
Coding change: c.4889G>A on transcript NM_001244008.2 (MANE Select); coding-DNA position 4889, G replaced by A.
Protein change: p.Arg1630Gln; replaces arginine 1630 with glutamine.
Molecular consequence: missense variant.
Genome position (GRCh38, 1-based): chr2:240,719,906, C>T on the plus strand (G>A on the coding strand, the complement: KIF1A is on the minus strand). VCF-style: chr2-240719906-C-T. GRCh37 (hg19) VCF-style: chr2-241659323-C-T.
Other names: p.Arg1529Gln; c.4613G>A, p.Arg1538Gln (NM_001320705.2, NM_001379649.1); c.4640G>A, p.Arg1547Gln (NM_001330289.2); c.4688G>A, p.Arg1563Gln (NM_001330290.2, NM_001379648.1); c.4964G>A, p.Arg1655Gln (NM_001379631.1); c.4865G>A, p.Arg1622Gln (NM_001379632.1); c.4862G>A, p.Arg1621Gln (NM_001379633.1, NM_001379645.1); c.4715G>A, p.Arg1572Gln (NM_001379634.1); and 9 more; short protein forms R1630Q, R1529Q, R1538Q, R1547Q, R1563Q, R1528Q, R1537Q, R1546Q.
Identifiers: ClinVar variation 335256 (VCV000335256.23), dbSNP rs191428830, ClinGen allele CA2207253.
Genomic context (GRCh38, chr2:240,719,906, plus strand): 5'-GGGGAAGGGAGCTTCTTGGAGTCGGCCTCTGGCAGCAGCTCGGGCTCTGGGCTGGCTGGC[C>T]GGGAGCAGGGCTGCGGGGTCCTGGGAAGCAGAGGGAAGTGCTGCCCACTGCAGGCCTCCC-3'
Protein context (NP_001230937.1, residues 1620-1640): TDLRTPQPCS[Arg1630Gln]PASPEPELLP

ClinVar aggregate classification (germline): Conflicting classifications of pathogenicity. Review status: criteria provided, conflicting classifications (1 of 4 stars). 8 submissions from 8 submitters: Uncertain significance (2); Benign (4); Likely benign (1). 1 of the submissions does not count toward it. Last evaluated 2026-01-17.

Conditions:
Hereditary spastic paraplegia 30. Identifiers: Orphanet 101010, MedGen C5235139, MONDO:0012476.
Inborn genetic diseases. Identifiers: MedGen C0950123, MeSH D030342.
Neuropathy, hereditary sensory, type 2C. Also called: KIF1A-Related HSAN2 (HSAN2C); Hereditary sensory and autonomic neuropathy type IIC. Identifiers: Orphanet 970, MedGen C3280168, MONDO:0013634, OMIM 614213.
Intellectual disability, autosomal dominant 9 (NESCAVS). Also called: KIF1A-Related Neurodevelopmental Disorder; NESCAV SYNDROME. Identifiers: Orphanet 662367, MedGen C5393830, MONDO:0013656, OMIM 614255.
KIF1A-related disorder. Also called: KIF1A-related disorders; KIF1A-related condition.

Allele frequency attached by ClinVar (database versions not stated): TOPMed 0.00043; ESP Exome Variant Server 0.00057; 1000 Genomes Project 30x 0.00141; 1000 Genomes Project 0.00180; gnomAD 0.00224 and 0.00228; ExAC 0.00232; gnomAD exomes 0.00257.
gnomAD v4.1: 2,214 of 1,610,628 alleles (0.14%); highest among the groups gnomAD compares: East Asian, 0.23%; 13 homozygotes.

Submissions (8):

Labcorp Genetics (formerly Invitae), Labcorp
Classification: Benign for Hereditary spastic paraplegia 30; Neuropathy, hereditary sensory, type 2C; Intellectual disability, autosomal dominant 9. Last evaluated: 2026-01-17. Review status: criteria provided, single submitter. Criteria: Invitae Variant Classification Sherloc (09022015). Collection method: clinical testing. Allele origin: germline.

ARUP Laboratories, Molecular Genetics and Genomics, ARUP Laboratories
Classification: Benign. Last evaluated: 2024-11-14. Review status: criteria provided, single submitter. Criteria: ARUP Molecular Germline Variant Investigation Process 2024. Collection method: clinical testing. Allele origin: germline.

Mayo Clinic Laboratories, Mayo Clinic
Classification: Benign. Last evaluated: 2019-09-05. Review status: criteria provided, single submitter. Criteria: ACMG Guidelines, 2015. Collection method: clinical testing. Allele origin: germline. Observed: 2 variant alleles.

Ambry Genetics
Classification: Benign for Inborn genetic diseases. Last evaluated: 2018-11-08. Review status: criteria provided, single submitter. Criteria: Ambry Variant Classification Scheme 2023. Collection method: clinical testing. Allele origin: germline.

Illumina Laboratory Services, Illumina
Classification: Uncertain significance for Spastic paraplegia 30A, autosomal dominant. Last evaluated: 2018-01-12. Review status: criteria provided, single submitter. Criteria: ICSL Variant Classification Criteria 13 December 2019. Collection method: clinical testing. Allele origin: germline.

Athena Diagnostics
Classification: Likely benign. Last evaluated: 2017-12-30. Review status: criteria provided, single submitter. Criteria: Athena Diagnostics Criteria. Collection method: clinical testing. Allele origin: germline.

GeneDx
Classification: Uncertain significance. Last evaluated: 2016-11-17. Review status: criteria provided, single submitter. Criteria: GeneDx Variant Classification (06012015). Collection method: clinical testing. Allele origin: germline. Affected: yes.
Comment: A variant of uncertain significance has been identified in the KIF1A gene. The R1529Q variant has not been published as a pathogenic variant, nor has it been reported as a benign variant to our knowledge. The R1529Q variant was not observed with any significant frequency in approximately 6,200 individuals of European and African American ancestry in the NHLBI Exome Sequencing Project but the 1000 Genomes Project reports R1529Q was observed in 8/198 (4.0%) alleles from individuals of Finnish background, indicating it may be a rare (benign) variant in this population. The R1529Q variant is a semi-conservative amino acid substitution, which may impact secondary protein structure as these residues differ in some properties. This substitution occurs at a position that is conserved across species. However, this amino acid substitution does not occur within the predicted motor domain of the protein, where all pathogenic missense KIF1A pathogenic variants have been identified to-date (Lee et al., 2014). In silico analysis is inconsistent in its predictions as to whether or not the variant is damaging to the protein structure/function. Therefore, based on the currently available information, it is unclear whether this variant is a pathogenic variant or a rare benign variant.

PreventionGenetics, part of Exact Sciences
Classification: Benign for KIF1A-related condition. Last evaluated: 2021-07-12. Review status: no assertion criteria provided. Collection method: clinical testing. Allele origin: germline. Not counted in ClinVar's aggregate classification.
Comment: This variant is classified as benign based on ACMG/AMP sequence variant interpretation guidelines (Richards et al. 2015 PMID: 25741868, with internal and published modifications).